The following is an entry in ClinVar:

NM_001083962.2(TCF4):c.1057C>A (p.Pro353Thr)

Gene: TCF4 (transcription factor 4; minus strand). Cytogenetic location: 18q21.2.
Variant type: single nucleotide variant.
Coding change: c.1057C>A on transcript NM_001083962.2 (MANE Select); coding-DNA position 1057, C replaced by A.
Protein change: p.Pro353Thr; replaces proline 353 with threonine.
Molecular consequence: missense variant.
Genome position (GRCh38, 1-based): chr18:55,259,961, G>T on the plus strand (C>A on the coding strand, the complement: TCF4 is on the minus strand). VCF-style: chr18-55259961-G-T. GRCh37 (hg19) VCF-style: chr18-52927192-G-T.
Other names: c.577C>A, p.Pro193Thr (NM_001348216.2, NM_001243234.2, NM_001243235.2 and 2 more transcripts); c.985C>A, p.Pro329Thr (NM_001348217.1, NM_001348218.2, NM_001348219.2 and 9 more transcripts); c.982C>A, p.Pro328Thr (NM_001348220.1, NM_001369581.1, NM_001369584.1 and 3 more transcripts); c.1057C>A, p.Pro353Thr (NM_001369567.1, NM_001369568.1, NM_003199.3 and 4 more transcripts); c.1054C>A, p.Pro352Thr (NM_001369569.1, NM_001369570.1, NM_001369573.1); c.1363C>A, p.Pro455Thr (NM_001243226.3); c.1075C>A, p.Pro359Thr (NM_001243228.2); c.1051C>A, p.Pro351Thr (NM_001243230.2); and 4 more; short protein forms P137T, P193T, P223T, P282T, P311T, P328T, P329T, P351T.
Identifiers: ClinVar variation 2648734 (VCV002648734.24), dbSNP rs1284661237, ClinGen allele CA402534754.
Genomic context (GRCh38, chr18:55,259,961, plus strand): 5'-CATTCTTATAAACTGTTATATGATGAAATGGGATTTGAAATACACTACCTGAGAGAGATG[G>T]AGGAGAGCCAACAGGAGTTGAAGGGTTTGATGAAAAGCTGTTGTTAGTGTGATCTGGAGA-3'
Protein context (NP_001077431.1, residues 343-363): SNPSTPVGSP[Pro353Thr]SLSAGTAVWS

ClinVar aggregate classification (germline): Uncertain significance (1 of 4 stars; one submission).

Submission:

CeGaT Center for Human Genetics Tuebingen
Classification: Uncertain significance. Last evaluated: 2023-04-01. Review status: criteria provided, single submitter. Criteria: CeGaT Center For Human Genetics Tuebingen Variant Classification Criteria Version 2. Collection method: clinical testing. Allele origin: germline. Affected: yes. Observed: 1 variant allele.
Comment: TCF4: PM2, PP2